The following is an entry in ClinVar:

ClinVar aggregate classification (germline): Uncertain significance (1 of 4 stars; one submission).

Submission:

Labcorp Genetics (formerly Invitae), Labcorp
Classification: Uncertain significance. Last evaluated: 2026-01-08. Review status: criteria provided, single submitter. Criteria: Invitae Variant Classification Sherloc (09022015). Collection method: clinical testing. Allele origin: germline.
Comment: This sequence change replaces serine, which is neutral and polar, with arginine, which is basic and polar, at codon 2508 of the MYO18B protein (p.Ser2508Arg). Information on the frequency of this variant in the gnomAD database is not available, as this variant may be reported differently in the database. This variant has not been reported in the literature in individuals affected with MYO18B-related conditions. An algorithm developed to predict the effect of missense changes on protein structure and function (PolyPhen-2) suggests that this variant is likely to be disruptive. In summary, the available evidence is currently insufficient to determine the role of this variant in disease. Therefore, it has been classified as a Variant of Uncertain Significance.

NM_032608.7(MYO18B):c.7522_7523delinsAG (p.Ser2508Arg)

Gene: MYO18B (myosin XVIIIB; plus strand). Cytogenetic location: 22q12.1.
Variant type: Indel.
Coding change: c.7522_7523delinsAG on transcript NM_032608.7 (MANE Select); coding-DNA positions 7522 to 7523, TC replaced by AG.
Protein change: p.Ser2508Arg; replaces serine 2508 with arginine.
Molecular consequence: missense variant.
Genome position (GRCh38, 1-based): chr22:26,027,496-26,027,497, TC replaced by AG. VCF-style: chr22-26027496-TC-AG. GRCh37 (hg19) VCF-style: chr22-26423462-TC-AG.
Other names: c.7525_7526delinsAG, p.Ser2509Arg (NM_001318245.2); short protein forms S2508R, S2509R.
Identifiers: ClinVar variation 4734878 (VCV004734878.1).